The following is an entry in ClinVar:

NM_000868.4(HTR2C):c.20C>T (p.Ala7Val)

Gene: HTR2C (5-hydroxytryptamine receptor 2C; plus strand). Cytogenetic location: Xq23.
Variant type: single nucleotide variant.
Coding change: c.20C>T on transcript NM_000868.4 (MANE Select); coding-DNA position 20, C replaced by T.
Protein change: p.Ala7Val; replaces alanine 7 with valine.
Molecular consequence: missense variant.
Genome position (GRCh38, 1-based): chrX:114,726,956, C>T. VCF-style: chrX-114726956-C-T. GRCh37 (hg19) VCF-style: chrX-113961365-C-T.
Other names: c.20C>T, p.Ala7Val (NM_001256760.3, NM_001256761.3); short protein forms A7V.
Identifiers: ClinVar variation 750988 (VCV000750988.6), dbSNP rs201115463, ClinGen allele CA10495348.

ClinVar aggregate classification (germline): Likely benign. Review status: criteria provided, multiple submitters, no conflicts (2 of 4 stars). 2 submissions from 2 submitters: Likely benign (2). Last evaluated 2025-11-10.

Conditions:
HTR2C-related disorder. Also called: HTR2C-related condition.

Allele frequency attached by ClinVar (database versions not stated): gnomAD 0.00002 and 0.00004; TOPMed 0.00005; 1000 Genomes Project 0.00026; 1000 Genomes Project 30x 0.00042.
gnomAD v4.1: 102 of 1,113,106 alleles (0.0092%); highest among the groups gnomAD compares: South Asian, 0.11%; 1 homozygote.

Submissions (2):

PreventionGenetics, part of Exact Sciences
Classification: Likely benign for HTR2C-related condition. Last evaluated: 2025-11-10. Review status: criteria provided, single submitter. Criteria: ACMG Guidelines, 2015. Collection method: clinical testing. Allele origin: germline.
Comment: This variant is classified as likely benign based on ACMG/AMP sequence variant interpretation guidelines (Richards et al. 2015 PMID: 25741868, with internal and published modifications).

Labcorp Genetics (formerly Invitae), Labcorp
Classification: Likely benign. Last evaluated: 2018-09-07. Review status: criteria provided, single submitter. Criteria: Invitae Variant Classification Sherloc (09022015). Collection method: clinical testing. Allele origin: germline.